The following is an entry in ClinVar:

ClinVar aggregate classification (germline): Benign (1 of 4 stars; one submission).

Allele frequency attached by ClinVar (database versions not stated): gnomAD 0.51095 and 0.51206; TOPMed 0.51138; 1000 Genomes Project 30x 0.51702; 1000 Genomes Project 0.52796.
gnomAD v4.1: 76,053 of 148,530 alleles (51%); highest among the groups gnomAD compares: East Asian, 83%; 20,411 homozygotes.

Submission:

GeneDx
Classification: Benign. Last evaluated: 2018-06-14. Review status: criteria provided, single submitter. Criteria: GeneDx Variant Classification (06012015). Collection method: clinical testing. Allele origin: germline. Affected: yes.
Comment: This variant is considered likely benign or benign based on one or more of the following criteria: it is a conservative change, it occurs at a poorly conserved position in the protein, it is predicted to be benign by multiple in silico algorithms, and/or has population frequency not consistent with disease.

NM_139242.4(MTFMT):c.814-246G>A

Gene: MTFMT (mitochondrial methionyl-tRNA formyltransferase; minus strand). Cytogenetic location: 15q22.31.
Variant type: single nucleotide variant.
Coding change: c.814-246G>A on transcript NM_139242.4 (MANE Select); 246 bases into the intron before coding-DNA position 814, G replaced by A.
Molecular consequence: intron variant.
Genome position (GRCh38, 1-based): chr15:65,006,437, C>T on the plus strand (G>A on the coding strand, the complement: MTFMT is on the minus strand). VCF-style: chr15-65006437-C-T. GRCh37 (hg19) VCF-style: chr15-65298775-C-T.
Identifiers: ClinVar variation 682639 (VCV000682639.1), dbSNP rs2414867, ClinGen allele CA14120266.